The following is an entry in ClinVar:

NM_022089.4(ATP13A2):c.3434G>A (p.Cys1145Tyr)

Gene: ATP13A2 (ATPase cation transporting 13A2; minus strand). Cytogenetic location: 1p36.13.
Variant type: single nucleotide variant.
Coding change: c.3434G>A on transcript NM_022089.4 (MANE Select); coding-DNA position 3434, G replaced by A.
Protein change: p.Cys1145Tyr; replaces cysteine 1145 with tyrosine.
Molecular consequence: missense variant. On other transcripts: synonymous variant (1).
Genome position (GRCh38, 1-based): chr1:16,986,330, C>T on the plus strand (G>A on the coding strand, the complement: ATP13A2 is on the minus strand). VCF-style: chr1-16986330-C-T. GRCh37 (hg19) VCF-style: chr1-17312825-C-T.
Other names: c.3419G>A, p.Cys1140Tyr (NM_001141973.3); c.3132G>A, p.Leu1044= (NM_001141974.3); short protein forms C1140Y, C1145Y.
Identifiers: ClinVar variation 1383259 (VCV001383259.6), dbSNP rs756071133, ClinGen allele CA636485.
Genomic context (GRCh38, chr1:16,986,330, plus strand): 5'-TCTCGTTCCAGCTGCTTGAAGCGCTTCTTGGAGGCCCGCTTGGGCCGGAGGCGGCGCAGG[C>T]AGGCGGGGAGGCACTGGTCTAGCACGCTCTGCAAAGGGCAGGGAGGGTGTCAGGGGCAGC-3'
Protein context (NP_071372.1, residues 1135-1155): ESVLDQCLPA[Cys1145Tyr]LRRLRPKRAS

ClinVar aggregate classification (germline): Uncertain significance (1 of 4 stars; one submission).

Conditions:
Kufor-Rakeb syndrome (KRS). Also called: PARKINSON DISEASE 9, AUTOSOMAL RECESSIVE, JUVENILE-ONSET. Identifiers: Orphanet 306674, Orphanet 314632, MedGen C1847640, MONDO:0011706, OMIM 606693.
Autosomal recessive spastic paraplegia type 78. Identifiers: Orphanet 513436, MedGen C5567893, MONDO:0014975, OMIM 617225.

Allele frequency attached by ClinVar (database versions not stated): TOPMed below 0.00001; gnomAD 0.00001; gnomAD exomes 0.00003; ExAC 0.00007.
gnomAD v4.1: 20 of 1,581,830 alleles (0.0013%); highest among the groups gnomAD compares: Non-Finnish European, 0.0006%; no homozygotes.

Submission:

Labcorp Genetics (formerly Invitae), Labcorp
Classification: Uncertain significance for Kufor-Rakeb syndrome; Autosomal recessive spastic paraplegia type 78. Last evaluated: 2021-11-28. Review status: criteria provided, single submitter. Criteria: Invitae Variant Classification Sherloc (09022015). Collection method: clinical testing. Allele origin: germline.
Comment: This variant has not been reported in the literature in individuals affected with ATP13A2-related conditions. This variant is present in population databases (rs756071133, gnomAD 0.01%). This sequence change replaces cysteine, which is neutral and slightly polar, with tyrosine, which is neutral and polar, at codon 1145 of the ATP13A2 protein (p.Cys1145Tyr). Advanced modeling of protein sequence and biophysical properties (such as structural, functional, and spatial information, amino acid conservation, physicochemical variation, residue mobility, and thermodynamic stability) performed at Invitae indicates that this missense variant is not expected to disrupt ATP13A2 protein function. In summary, the available evidence is currently insufficient to determine the role of this variant in disease. Therefore, it has been classified as a Variant of Uncertain Significance.